The following is an entry in ClinVar:

NM_013432.5(TONSL):c.329G>A (p.Trp110Ter)

Gene: TONSL (tonsoku like, DNA repair protein; minus strand). Cytogenetic location: 8q24.3.
Variant type: single nucleotide variant.
Coding change: c.329G>A on transcript NM_013432.5 (MANE Select); coding-DNA position 329, G replaced by A.
Protein change: p.Trp110Ter; replaces tryptophan 110 with a stop codon.
Molecular consequence: nonsense.
Genome position (GRCh38, 1-based): chr8:144,443,257, C>T on the plus strand (G>A on the coding strand, the complement: TONSL is on the minus strand). VCF-style: chr8-144443257-C-T. GRCh37 (hg19) VCF-style: chr8-145668640-C-T.
Other names: short protein forms W110*.
Identifiers: ClinVar variation 638578 (VCV000638578.4), dbSNP rs1002531030, ClinGen allele CA372679157.

ClinVar aggregate classification (germline): Uncertain significance. Review status: criteria provided, single submitter (1 of 4 stars). 2 submissions from 2 submitters: Uncertain significance (1). 1 of the submissions does not count toward it. Last evaluated 2016-11-04.

Conditions:
Skeletal dysplaisia with extra-skeletal manifestations.
TONSL-related disorder. Also called: TONSL-related condition.

Submissions (2):

Undiagnosed Diseases Network, NIH
Classification: Uncertain significance for TONSL-related condition. Last evaluated: 2016-11-04. Review status: criteria provided, single submitter. Criteria: ACMG Guidelines, 2015. Collection method: clinical testing. Allele origin: maternal. Inheritance: Autosomal recessive inheritance. Affected: yes. Observed: 1 variant allele, 1 compound heterozygote. Study: Undiagnosed Diseases Network (NIH), UDN.

University of Washington Center for Mendelian Genomics, University of Washington
Classification: Likely pathogenic for Skeletal dysplaisia with extra-skeletal manifestations. Review status: no assertion criteria provided. Collection method: research. Allele origin: inherited. Affected: yes. Not counted in ClinVar's aggregate classification.

Literature cited by the submitters: PubMed 30773277 (cited by Undiagnosed Diseases Network, NIH and University of Washington Center for Mendelian Genomics, University of Washington).